The following is an entry in ClinVar:

NM_001353694.2(TIAM1):c.606C>T (p.Ser202=)

Gene: TIAM1 (TIAM Rac1 associated GEF 1; minus strand). Cytogenetic location: 21q22.11.
Variant type: single nucleotide variant.
Coding change: c.606C>T on transcript NM_001353694.2 (MANE Select); coding-DNA position 606, C replaced by T.
Protein change: p.Ser202=; no amino-acid change (serine 202 retained).
Molecular consequence: synonymous variant.
Genome position (GRCh38, 1-based): chr21:31,266,367, G>A on the plus strand (C>T on the coding strand, the complement: TIAM1 is on the minus strand). VCF-style: chr21-31266367-G-A. GRCh37 (hg19) VCF-style: chr21-32638683-G-A.
Other names: c.606C>T, p.Ser202= (NM_001353686.2, NM_001353687.2, NM_001353688.1 and 6 more transcripts).
Identifiers: ClinVar variation 4281102 (VCV004281102.7).

ClinVar aggregate classification (germline): Likely benign (1 of 4 stars; one submission).

gnomAD v4.1: 7 of 1,614,058 alleles (0.00043%); highest among the groups gnomAD compares: Middle Eastern, 0.016%; no homozygotes.

Submission:

CeGaT Center for Human Genetics Tuebingen
Classification: Likely benign. Last evaluated: 2025-09-01. Review status: criteria provided, single submitter. Criteria: CeGaT Center For Human Genetics Tuebingen Variant Classification Criteria Version 2. Collection method: clinical testing. Allele origin: germline. Affected: yes. Observed: 1 variant allele.
Comment: TIAM1: BP4, BP7